The following is an entry in ClinVar:

ClinVar aggregate classification (germline): Benign/Likely benign. Review status: criteria provided, multiple submitters, no conflicts (2 of 4 stars). 3 submissions from 3 submitters: Benign (2); Likely benign (1). Last evaluated 2019-06-17.

Conditions:
CHIME syndrome (CHIME). Also called: GLYCOSYLPHOSPHATIDYLINOSITOL BIOSYNTHESIS DEFECT 5; COLOBOMA, CONGENITAL HEART DISEASE, ICHTHYOSIFORM DERMATOSIS, IMPAIRED INTELLECTUAL DEVELOPMENT, AND EAR ANOMALIES SYNDROME. Identifiers: Orphanet 3474, MedGen C1848392, MONDO:0010221, OMIM 280000.

Allele frequency attached by ClinVar (database versions not stated): gnomAD exomes 0.03472; gnomAD 0.06118 and 0.06241; TOPMed 0.06519; 1000 Genomes Project 0.07748; 1000 Genomes Project 30x 0.07948.
gnomAD v4.1: 38,072 of 970,666 alleles (3.9%); highest among the groups gnomAD compares: African/African-American, 13%; 1,168 homozygotes.

Submissions (3):

GeneDx
Classification: Benign. Last evaluated: 2019-06-17. Review status: criteria provided, single submitter. Criteria: GeneDx Variant Classification Process June 2021. Collection method: clinical testing. Allele origin: germline. Affected: yes.

Illumina Laboratory Services, Illumina
Classification: Benign for CHIME syndrome. Last evaluated: 2018-01-13. Review status: criteria provided, single submitter. Criteria: ICSL Variant Classification Criteria 13 December 2019. Collection method: clinical testing. Allele origin: germline.
Comment: This variant was observed in the ICSL laboratory as part of a predisposition screen in an ostensibly healthy population. It had not been previously curated by ICSL or reported in the Human Gene Mutation Database (HGMD: prior to June 1st, 2018), and was therefore a candidate for classification through an automated scoring system. Utilizing variant allele frequency, disease prevalence and penetrance estimates, and inheritance mode, an automated score was calculated to assess if this variant is too frequent to cause the disease. Based on the score and internal cut-off values, a variant classified as benign is not then subjected to further curation. The score for this variant resulted in a classification of benign for this disease.

Breakthrough Genomics
Classification: Likely benign. Review status: criteria provided, single submitter. Criteria: ACMG Guidelines, 2015. Collection method: not provided. Allele origin: germline. Inheritance: Autosomal recessive inheritance. Affected: yes.

NM_004278.4(PIGL):c.*86A>G

Gene: PIGL (phosphatidylinositol glycan anchor biosynthesis class L; plus strand). Cytogenetic location: 17p11.2.
Variant type: single nucleotide variant.
Coding change: c.*86A>G on transcript NM_004278.4 (MANE Select); 86 bases downstream of the stop codon, A replaced by G.
Molecular consequence: 3 prime UTR variant.
Genome position (GRCh38, 1-based): chr17:16,325,984, A>G. VCF-style: chr17-16325984-A-G. GRCh37 (hg19) VCF-style: chr17-16229298-A-G.
Identifiers: ClinVar variation 321991 (VCV000321991.9), dbSNP rs2302314, ClinGen allele CA10638974.